The following is an entry in ClinVar:

NM_000186.4(CFH):c.2675C>T (p.Ala892Val)

Gene: CFH (complement factor H; plus strand). Cytogenetic location: 1q31.3.
Variant type: single nucleotide variant.
Coding change: c.2675C>T on transcript NM_000186.4 (MANE Select); coding-DNA position 2675, C replaced by T.
Protein change: p.Ala892Val; replaces alanine 892 with valine.
Molecular consequence: missense variant.
Genome position (GRCh38, 1-based): chr1:196,737,553, C>T. VCF-style: chr1-196737553-C-T. GRCh37 (hg19) VCF-style: chr1-196706683-C-T.
Other names: short protein forms A892V.
Identifiers: ClinVar variation 1362138 (VCV001362138.12), dbSNP rs151068461, ClinGen allele CA1305714.

ClinVar aggregate classification (germline): Uncertain significance. Review status: criteria provided, multiple submitters, no conflicts (2 of 4 stars). 8 submissions from 5 submitters: Uncertain significance (8). Last evaluated 2026-01-20.

Conditions:
Hemolytic uremic syndrome, atypical, susceptibility to, 1. Also called: AHUS, SUSCEPTIBILITY TO, 1. Identifiers: Orphanet 2134, Orphanet 90038, MedGen C2749604, MONDO:0009335, OMIM 235400. Disease mechanism: Other.
Basal laminar drusen. Also called: DRUSEN OF BRUCH MEMBRANE; DRUSEN, CUTICULAR; DRUSEN, EARLY ADULT-ONSET, GROUPED. Identifiers: Orphanet 75376, MedGen C0730295, MONDO:0007472, OMIM 126700.
Factor H deficiency (CFHD). Also called: CFH DEFICIENCY; COMPLEMENT FACTOR H DEFICIENCY. Identifiers: Orphanet 200421, MedGen C0398777, MONDO:0012350, OMIM 609814.
Age related macular degeneration 4. Identifiers: MedGen C1853147, MONDO:0012540, OMIM 610698.
Atypical hemolytic-uremic syndrome. Identifiers: Orphanet 2134, MedGen C2931788, MONDO:0016244.

Allele frequency attached by ClinVar (database versions not stated): ExAC 0.00011; gnomAD exomes 0.00012 and 0.00020; TOPMed 0.00014; gnomAD 0.00017; ESP Exome Variant Server 0.00023.
gnomAD v4.1: 338 of 1,613,020 alleles (0.021%); highest among the groups gnomAD compares: Non-Finnish European, 0.026%; no homozygotes.

Submissions (8):

Labcorp Genetics (formerly Invitae), Labcorp
Classification: Uncertain significance. Last evaluated: 2026-01-20. Review status: criteria provided, single submitter. Criteria: Invitae Variant Classification Sherloc (09022015). Collection method: clinical testing. Allele origin: germline.
Comment: This sequence change replaces alanine, which is neutral and non-polar, with valine, which is neutral and non-polar, at codon 892 of the CFH protein (p.Ala892Val). This variant is present in population databases (rs151068461, gnomAD 0.02%). This missense change has been observed in individual(s) with hemolytic uremic syndrome (PMID: 37466676). ClinVar contains an entry for this variant (Variation ID: 1362138). An algorithm developed to predict the effect of missense changes on protein structure and function outputs the following: PolyPhen-2: "Benign". The valine amino acid residue is found in multiple mammalian species, which suggests that this missense change does not adversely affect protein function. In summary, the available evidence is currently insufficient to determine the role of this variant in disease. Therefore, it has been classified as a Variant of Uncertain Significance.

Genomenon, Inc
Classification: Uncertain significance for Atypical hemolytic-uremic syndrome. Last evaluated: 2025-10-02. Review status: criteria provided, single submitter. Criteria: Genomenon Sequence Variant Interpretation Standards - Updated. Collection method: curation. Allele origin: germline. Affected: yes.
Comment: CFH p.Ala892Val (c.2675C>T) is a missense variant that changes the amino acid at residue 892 from Alanine to Valine. This variant has been observed in at least one proband affected with atypical hemolytic-uremic syndrome (PMID:37466676). It is absent or not present at a significant frequency in gnomAD. In silico models agree that this variant is not damaging. In conclusion, we classify CFH p.Ala892Val (c.2675C>T) as a variant of uncertain significance.

Fulgent Genetics
Classification: Uncertain significance for Basal laminar drusen; Hemolytic uremic syndrome, atypical, susceptibility to, 1; Factor H deficiency; Age related macular degeneration 4. Last evaluated: 2024-04-23. Review status: criteria provided, single submitter. Criteria: ACMG Guidelines, 2015. Collection method: clinical testing. Allele origin: germline.

Genome-Nilou Lab
Classification: Uncertain significance for Hemolytic uremic syndrome, atypical, susceptibility to, 1. Last evaluated: 2023-04-11. Review status: criteria provided, single submitter. Criteria: ACMG Guidelines, 2015. Collection method: clinical testing. Allele origin: germline. Affected: no.

Genome-Nilou Lab
Classification: Uncertain significance for Age related macular degeneration 4. Last evaluated: 2023-04-11. Review status: criteria provided, single submitter. Criteria: ACMG Guidelines, 2015. Collection method: clinical testing. Allele origin: germline. Affected: no.

Genome-Nilou Lab
Classification: Uncertain significance for Basal laminar drusen. Last evaluated: 2023-04-11. Review status: criteria provided, single submitter. Criteria: ACMG Guidelines, 2015. Collection method: clinical testing. Allele origin: germline. Affected: no.

Genome-Nilou Lab
Classification: Uncertain significance for Factor H deficiency. Last evaluated: 2023-04-11. Review status: criteria provided, single submitter. Criteria: ACMG Guidelines, 2015. Collection method: clinical testing. Allele origin: germline. Affected: no.

Genome Diagnostics Laboratory, The Hospital for Sick Children
Classification: Uncertain significance for Atypical hemolytic-uremic syndrome. Last evaluated: 2020-05-01. Review status: criteria provided, single submitter. Criteria: ACMG Guidelines, 2015. Collection method: clinical testing. Allele origin: germline.

Literature cited by the submitters: PubMed 37466676 (cited by Labcorp Genetics (formerly Invitae), Labcorp and Genomenon, Inc).